The following is an entry in ClinVar:

ClinVar aggregate classification (germline): Uncertain significance. Review status: criteria provided, multiple submitters, no conflicts (2 of 4 stars). 2 submissions from 2 submitters: Uncertain significance (2). Last evaluated 2025-01-19.

Conditions:
Weill-Marchesani 4 syndrome, recessive. Also called: Weill-Marchesani syndrome 4. Identifiers: Orphanet 363992, MedGen C2750787, MONDO:0013176, OMIM 613195.

gnomAD v4.1: 1 of 1,613,638 alleles (0.000062%); highest among the groups gnomAD compares: East Asian, 0.0022%; no homozygotes.

Submissions (2):

Labcorp Genetics (formerly Invitae), Labcorp
Classification: Uncertain significance. Last evaluated: 2025-01-19. Review status: criteria provided, single submitter. Criteria: Invitae Variant Classification Sherloc (09022015). Collection method: clinical testing. Allele origin: germline.
Comment: This sequence change replaces alanine, which is neutral and non-polar, with proline, which is neutral and non-polar, at codon 911 of the ADAMTS17 protein (p.Ala911Pro). This variant is not present in population databases (gnomAD no frequency). This variant has not been reported in the literature in individuals affected with ADAMTS17-related conditions. ClinVar contains an entry for this variant (Variation ID: 315260). An algorithm developed to predict the effect of missense changes on protein structure and function (PolyPhen-2) suggests that this variant is likely to be disruptive. In summary, the available evidence is currently insufficient to determine the role of this variant in disease. Therefore, it has been classified as a Variant of Uncertain Significance.

Illumina Laboratory Services, Illumina
Classification: Uncertain significance for Weill-Marchesani 4 syndrome, recessive. Last evaluated: 2018-01-13. Review status: criteria provided, single submitter. Criteria: ICSL Variant Classification Criteria 13 December 2019. Collection method: clinical testing. Allele origin: germline.

NM_139057.4(ADAMTS17):c.2731G>C (p.Ala911Pro)

Gene: ADAMTS17 (ADAM metallopeptidase with thrombospondin type 1 motif 17; minus strand). Cytogenetic location: 15q26.3.
Variant type: single nucleotide variant.
Coding change: c.2731G>C on transcript NM_139057.4 (MANE Select); coding-DNA position 2731, G replaced by C.
Protein change: p.Ala911Pro; replaces alanine 911 with proline.
Molecular consequence: missense variant.
Genome position (GRCh38, 1-based): chr15:99,997,450, C>G on the plus strand (G>C on the coding strand, the complement: ADAMTS17 is on the minus strand). VCF-style: chr15-99997450-C-G. GRCh37 (hg19) VCF-style: chr15-100537655-C-G.
Other names: short protein forms A911P.
Identifiers: ClinVar variation 315260 (VCV000315260.7), dbSNP rs886050974, ClinGen allele CA10646915.